The following is an entry in ClinVar:

NM_000135.4(FANCA):c.358A>G (p.Ser120Gly)

Gene: FANCA (FA complementation group A; minus strand). Cytogenetic location: 16q24.3.
Variant type: single nucleotide variant.
Coding change: c.358A>G on transcript NM_000135.4 (MANE Select); coding-DNA position 358, A replaced by G.
Protein change: p.Ser120Gly; replaces serine 120 with glycine.
Molecular consequence: missense variant.
Genome position (GRCh38, 1-based): chr16:89,810,997, T>C on the plus strand (A>G on the coding strand, the complement: FANCA is on the minus strand). VCF-style: chr16-89810997-T-C. GRCh37 (hg19) VCF-style: chr16-89877405-T-C.
Other names: c.358A>G (NM_000135.3); c.358A>G, p.Ser120Gly (NM_001018112.3, NM_001286167.3, NM_001351830.2); short protein forms S120G.
Identifiers: ClinVar variation 3581580 (VCV003581580.3).
Genomic context (GRCh38, chr16:89,810,997, plus strand): 5'-CCACAGTCAGCAGCACAGGGTGACTGGTCTCCGCTGGAGCCGTGCAGATCTGTCCCACGC[T>C]AGAGGCAACCATCCCGGCTGAGAGAATACCCACGGGAACCCCCAGCCTTGAGGCTTGATC-3'
Protein context (NP_000126.2, residues 110-130): GILSAGMVAS[Ser120Gly]VGQICTAPAE

ClinVar aggregate classification (germline): Uncertain significance. Review status: criteria provided, multiple submitters, no conflicts (2 of 4 stars). 3 submissions from 3 submitters: Uncertain significance (2). 1 of the submissions does not count toward it. Last evaluated 2025-08-22.

Conditions:
Inborn genetic diseases. Identifiers: MedGen C0950123, MeSH D030342.
Fanconi anemia (FA). Also called: Fanconi's anemia. Identifiers: Orphanet 84, MedGen C0015625, MeSH D005199, MONDO:0019391.
Fanconi anemia complementation group A (FANCA). Also called: FANCA-Related Fanconi Anemia; Fanconi anemia, group A. Identifiers: Orphanet 84, MedGen C3469521, MONDO:0009215, OMIM 227650.

gnomAD v4.1: 1 of 1,614,038 alleles (0.000062%); highest among the groups gnomAD compares: Non-Finnish European, 0.000085%; no homozygotes.

Submissions (3):

Ambry Genetics
Classification: Uncertain significance for Inborn genetic diseases. Last evaluated: 2025-08-22. Review status: criteria provided, single submitter. Criteria: Ambry Variant Classification Scheme 2023. Collection method: clinical testing. Allele origin: germline.
Comment: The p.S120G variant (also known as c.358A>G), located in coding exon 4 of the FANCA gene, results from an A to G substitution at nucleotide position 358. The serine at codon 120 is replaced by glycine, an amino acid with similar properties. This amino acid position is conserved. In addition, this alteration is predicted to be tolerated by in silico analysis. Based on the available evidence, the clinical significance of this variant remains unclear.

Fulgent Genetics
Classification: Uncertain significance for Fanconi anemia complementation group A. Last evaluated: 2024-03-07. Review status: criteria provided, single submitter. Criteria: ACMG Guidelines, 2015. Collection method: clinical testing. Allele origin: germline.

Natera, Inc.
Classification: Uncertain significance for Fanconi anemia. Last evaluated: 2025-01-21. Review status: no assertion criteria provided. Collection method: clinical testing. Allele origin: germline. Not counted in ClinVar's aggregate classification.